The following is an entry in ClinVar:

ClinVar aggregate classification (germline): Pathogenic (1 of 4 stars; one submission).

Conditions:
Cranioectodermal dysplasia 1 (CED1). Also called: LEVIN SYNDROME I. Identifiers: Orphanet 1515, MedGen C0432235, MONDO:0021093, OMIM 218330.

Submission:

Labcorp Genetics (formerly Invitae), Labcorp
Classification: Pathogenic for Cranioectodermal dysplasia 1. Last evaluated: 2025-10-08. Review status: criteria provided, single submitter. Criteria: Invitae Variant Classification Sherloc (09022015). Collection method: clinical testing. Allele origin: germline.
Comment: This sequence change creates a premature translational stop signal (p.Thr115Serfs*4) in the IFT122 gene. It is expected to result in an absent or disrupted protein product. Loss-of-function variants in IFT122 are known to be pathogenic (PMID: 20493458, 23826986, 26792575). This variant is not present in population databases (gnomAD no frequency). This variant has not been reported in the literature in individuals affected with IFT122-related conditions. For these reasons, this variant has been classified as Pathogenic.

Literature cited by the submitters: PubMed 20493458; PubMed 23826986; PubMed 26792575.

NM_052989.3(IFT122):c.273-303_273-302del

Gene: IFT122 (intraflagellar transport 122; plus strand). Cytogenetic location: 3q21.3.
Variant type: Deletion.
Coding change: c.273-303_273-302del on transcript NM_052989.3 (MANE Select); 303 bases into the intron before coding-DNA position 273 through 302 bases into the intron before coding-DNA position 273, 2 bases deleted (CA; older notation c.273-303_273-302delCA).
Molecular consequence: intron variant. On other transcripts: frameshift variant (2).
Genome position (GRCh38, 1-based): chr3:129,460,925-129,460,926, CA deleted; deleting any 2 consecutive bases within chr3:129,460,924-129,460,926 gives the same sequence; the c. name uses the placement nearest the transcript's 3' end. VCF-style (leftmost placement, unchanged base first): chr3-129460923-AAC-A. GRCh37 (hg19) VCF-style: chr3-129179766-AAC-A.
Other names: c.344_345del, p.Thr115fs (NM_001280541.2, NM_052985.4); c.-178-303_-178-302del (NM_001280545.2, NM_001280546.2); c.273-303_273-302del (NM_001410808.1, NM_001410809.1, NM_001410810.1 and 3 more transcripts); c.194-2635_194-2634del (NM_001438637.1, NM_001438638.1, NM_001438639.1 and 5 more transcripts); short protein forms T115fs.
Identifiers: ClinVar variation 4694740 (VCV004694740.1).